The following is an entry in ClinVar:

ClinVar aggregate classification (germline): Uncertain significance. Review status: criteria provided, multiple submitters, no conflicts (2 of 4 stars). 2 submissions from 2 submitters: Uncertain significance (2). Last evaluated 2026-07-16.

gnomAD v4.1: 70 of 1,611,996 alleles (0.0043%); highest among the groups gnomAD compares: Middle Eastern, 0.02%; no homozygotes.

Submissions (2):

GeneDx
Classification: Uncertain significance. Last evaluated: 2026-07-16. Review status: criteria provided, single submitter. Criteria: GeneDx Variant Classification Process June 2021. Collection method: clinical testing. Allele origin: germline.
Comment: In silico analysis supports that this missense variant has a deleterious effect on protein structure/function; Has not been previously published as pathogenic or benign to our knowledge

Mayo Clinic Laboratories, Mayo Clinic
Classification: Uncertain significance. Last evaluated: 2025-05-11. Review status: criteria provided, single submitter. Criteria: ACMG Guidelines, 2015. Collection method: clinical testing. Allele origin: germline. Observed: 1 variant allele.
Comment: PM2_supporting

NM_005559.4(LAMA1):c.2698C>T (p.Arg900Cys)

Gene: LAMA1 (laminin subunit alpha 1; minus strand). Cytogenetic location: 18p11.31.
Variant type: single nucleotide variant.
Coding change: c.2698C>T on transcript NM_005559.4 (MANE Select); coding-DNA position 2698, C replaced by T.
Protein change: p.Arg900Cys; replaces arginine 900 with cysteine.
Molecular consequence: missense variant.
Genome position (GRCh38, 1-based): chr18:7,023,167, G>A on the plus strand (C>T on the coding strand, the complement: LAMA1 is on the minus strand). VCF-style: chr18-7023167-G-A. GRCh37 (hg19) VCF-style: chr18-7023166-G-A.
Other names: p.Arg900Cys; short protein forms R900C.
Identifiers: ClinVar variation 3371323 (VCV003371323.3).